The following is an entry in ClinVar:

ClinVar aggregate classification (germline): Uncertain significance (1 of 4 stars; one submission).

Conditions:
Autosomal dominant nonsyndromic hearing loss 12. Also called: DEAFNESS, AUTOSOMAL DOMINANT 8. Identifiers: Orphanet 90635, MedGen C1832187, MONDO:0011102, OMIM 601543.
Autosomal recessive nonsyndromic hearing loss 21. Identifiers: Orphanet 90636, MedGen C1863655, MONDO:0011351, OMIM 603629.

gnomAD v4.1: 2 of 1,613,806 alleles (0.00012%); highest among the groups gnomAD compares: Non-Finnish European, 0.00017%; no homozygotes.

Submission:

Juno Genomics, Hangzhou Juno Genomics, Inc
Classification: Uncertain significance for Autosomal dominant nonsyndromic hearing loss 12; Autosomal recessive nonsyndromic hearing loss 21. Review status: criteria provided, single submitter. Criteria: ACMG Guidelines, 2015. Collection method: clinical testing. Allele origin: germline. Affected: yes.
Comment: Absent from controls (or at extremely low frequency if recessive) in Genome Aggregation Database.;Multiple lines of computational evidence support a deleterious effect on the gene or gene product.

NM_005422.4(TECTA):c.3543+5G>A

Genes: TBCEL-TECTA (TBCEL-TECTA readthrough; plus strand), TECTA (tectorin alpha; plus strand). Cytogenetic location: 11q23.3.
Variant type: single nucleotide variant.
Coding change: c.3543+5G>A on transcript NM_005422.4 (MANE Select); 5 bases into the intron after coding-DNA position 3543, G replaced by A.
Molecular consequence: intron variant.
Genome position (GRCh38, 1-based): chr11:121,138,027, G>A. VCF-style: chr11-121138027-G-A. GRCh37 (hg19) VCF-style: chr11-121008736-G-A.
Other names: c.4500+5G>A (NM_001378761.1).
Identifiers: ClinVar variation 5018511 (VCV005018511.1).
Genomic context (GRCh38, chr11:121,138,027, plus strand): 5'-TGACCGTGTTTGGCTACAGCATCGTGATCCACCGAGCTTACAAGCACACTGTGCTGGTGA[G>A]TAGTCATGAGGTCCCCTCAAAAGGGGAATCGTGGAGACGTCAGGATGGGGTCGGCAAGCC-3'